The following is an entry in ClinVar:

NM_014611.3(MDN1):c.5472+6G>A

Gene: MDN1 (midasin AAA ATPase 1; minus strand). Cytogenetic location: 6q15.
Variant type: single nucleotide variant.
Coding change: c.5472+6G>A on transcript NM_014611.3 (MANE Select); 6 bases into the intron after coding-DNA position 5472, G replaced by A.
Molecular consequence: intron variant.
Genome position (GRCh38, 1-based): chr6:89,727,827, C>T on the plus strand (G>A on the coding strand, the complement: MDN1 is on the minus strand). VCF-style: chr6-89727827-C-T. GRCh37 (hg19) VCF-style: chr6-90437546-C-T.
Identifiers: ClinVar variation 3056175 (VCV003056175.2), dbSNP rs112893069, ClinGen allele CA3924836.

ClinVar aggregate classification (germline): Benign (0 of 4 stars; one submission).

Conditions:
MDN1-related disorder. Also called: MDN1-related condition.

Allele frequency attached by ClinVar (database versions not stated): 1000 Genomes Project 0.11342; 1000 Genomes Project 30x 0.11430; TOPMed 0.13310; ESP Exome Variant Server 0.14293; gnomAD 0.14572; ExAC 0.15144.
gnomAD v4.1: 280,796 of 1,613,268 alleles (17%); highest among the groups gnomAD compares: Non-Finnish European, 19%; 26,191 homozygotes.

Submission:

PreventionGenetics, part of Exact Sciences
Classification: Benign for MDN1-related condition. Last evaluated: 2019-11-11. Review status: no assertion criteria provided. Collection method: clinical testing. Allele origin: germline.
Comment: This variant is classified as benign based on ACMG/AMP sequence variant interpretation guidelines (Richards et al. 2015 PMID: 25741868, with internal and published modifications).